The following is an entry in ClinVar:

NC_000015.9:g.(?_44877814)_(44878413_?)del

Gene: SPG11 (SPG11 vesicle trafficking associated, spatacsin; minus strand). Cytogenetic location: 15q21.1.
Variant type: Deletion.
Identifiers: ClinVar variation 2426924 (VCV002426924.3).

ClinVar aggregate classification (germline): Pathogenic (1 of 4 stars; one submission).

Conditions:
Hereditary spastic paraplegia 11. Also called: Nakamura Osame syndrome; Autosomal recessive hereditary spastic paraplegia, mental impairment, and thin corpus callosum; Spastic Paraplegia 11; Spastic paraplegia, mental retardation and thin corpus callosum; SPASTIC PARAPLEGIA, AUTOSOMAL RECESSIVE, COMPLICATED, WITH THIN CORPUS CALLOSUM; SPASTIC PARAPLEGIA, AUTOSOMAL RECESSIVE, WITH MENTAL IMPAIRMENT AND THIN CORPUS CALLOSUM. Identifiers: Orphanet 2822, MedGen C1858479, MONDO:0011445, OMIM 604360.

Submission:

Labcorp Genetics (formerly Invitae), Labcorp
Classification: Pathogenic for Hereditary spastic paraplegia 11. Last evaluated: 2022-09-12. Review status: criteria provided, single submitter. Criteria: Invitae Variant Classification Sherloc (09022015). Collection method: clinical testing. Allele origin: germline.
Comment: This variant is a gross deletion of the genomic region encompassing exon(s) 29 of the SPG11 gene. This deletion is out-of-frame, and is expected to create a premature termination codon and result in an absent or disrupted protein product. Loss-of-function variants in SPG11 are known to be pathogenic (PMID: 19105190, 20110243, 22154821, 26556829). A similar copy number variant has been observed in individual(s) with hereditary spastic paraplegia (PMID: 22237444, 27071356). For these reasons, this variant has been classified as Pathogenic.

Literature cited by the submitters: PubMed 19105190; PubMed 20110243; PubMed 22154821; PubMed 26556829; PubMed 22237444; PubMed 27071356.